The following is an entry in ClinVar:

NM_014727.3(KMT2B):c.4726G>C (p.Glu1576Gln)

Gene: KMT2B (lysine methyltransferase 2B; plus strand). Cytogenetic location: 19q13.12.
Variant type: single nucleotide variant.
Coding change: c.4726G>C on transcript NM_014727.3 (MANE Select); coding-DNA position 4726, G replaced by C.
Protein change: p.Glu1576Gln; replaces glutamic acid 1576 with glutamine.
Molecular consequence: missense variant.
Genome position (GRCh38, 1-based): chr19:35,729,023, G>C. VCF-style: chr19-35729023-G-C. GRCh37 (hg19) VCF-style: chr19-36219924-G-C.
Other names: short protein forms E1576Q.
Identifiers: ClinVar variation 1719545 (VCV001719545.5), dbSNP rs2513342330, ClinGen allele CA405416827.

ClinVar aggregate classification (germline): Uncertain significance (1 of 4 stars; one submission).

Submission:

Labcorp Genetics (formerly Invitae), Labcorp
Classification: Uncertain significance. Last evaluated: 2022-09-15. Review status: criteria provided, single submitter. Criteria: Invitae Variant Classification Sherloc (09022015). Collection method: clinical testing. Allele origin: germline.
Comment: This sequence change replaces glutamic acid, which is acidic and polar, with glutamine, which is neutral and polar, at codon 1576 of the KMT2B protein (p.Glu1576Gln). This variant is not present in population databases (gnomAD no frequency). This variant has not been reported in the literature in individuals affected with KMT2B-related conditions. Advanced modeling of protein sequence and biophysical properties (such as structural, functional, and spatial information, amino acid conservation, physicochemical variation, residue mobility, and thermodynamic stability) has been performed at Invitae for this missense variant, however the output from this modeling did not meet the statistical confidence thresholds required to predict the impact of this variant on KMT2B protein function. In summary, the available evidence is currently insufficient to determine the role of this variant in disease. Therefore, it has been classified as a Variant of Uncertain Significance.